The following is an entry in ClinVar:

NM_002691.4(POLD1):c.914dup (p.Arg306fs)

Gene: POLD1 (DNA polymerase delta 1, catalytic subunit; plus strand). Cytogenetic location: 19q13.33.
Variant type: Duplication.
Coding change: c.914dup on transcript NM_002691.4 (MANE Select); coding-DNA position 914, one base duplicated (A; older notation c.914dupA).
Protein change: p.Arg306fs; shifts the reading frame from arginine 306.
Molecular consequence: frameshift variant. On other transcripts: non-coding transcript variant (1).
Genome position (GRCh38, 1-based): chr19:50,402,685, A duplicated. VCF-style (leftmost placement, unchanged base first): chr19-50402684-C-CA. GRCh37 (hg19) VCF-style: chr19-50905941-C-CA.
Other names: c.914dup, p.Arg306fs (NM_001256849.1, NM_001308632.1); short protein forms R306fs.
Identifiers: ClinVar variation 1765967 (VCV001765967.2), dbSNP rs2513969399, ClinGen allele CA2580097687.
Genomic context (GRCh38, chr19:50,402,684, plus strand): 5'-CAGCTGGAGGCGGACGTGCTGTGGTCTGACGTGGTCAGTCACCCACCGGAAGGGCCATGG[C>CA]AGCGCATTGCGCCCTTGCGCGTGCTCAGCTTCGATATCGAGTGCGCCGGCCGCAAAGGTC-3'

ClinVar aggregate classification (germline): Uncertain significance (1 of 4 stars; one submission).

Conditions:
Hereditary cancer-predisposing syndrome. Also called: Neoplastic Syndromes, Hereditary; Tumor predisposition; Hereditary Cancer Syndrome; Hereditary neoplastic syndrome. Identifiers: Orphanet 140162, MedGen C0027672, MeSH D009386, MONDO:0015356.

Submission:

Ambry Genetics
Classification: Uncertain significance for Hereditary cancer-predisposing syndrome. Last evaluated: 2020-03-04. Review status: criteria provided, single submitter. Criteria: Ambry Variant Classification Scheme 2023. Collection method: clinical testing. Allele origin: germline.
Comment: The c.914dupA variant, located in coding exon 7 of the POLD1 gene, results from a duplication of A at nucleotide position 914, causing a translational frameshift with a predicted alternate stop codon (p.R306Afs*23). This alteration is expected to result in loss of function by premature protein truncation or nonsense-mediated mRNA decay. However, loss of function of POLD1 has not been clearly established as a mechanism of disease. Since supporting evidence is limited at this time, the clinical significance of this alteration remains unclear.